The following is an entry in ClinVar:

ClinVar aggregate classification (germline): Uncertain significance (1 of 4 stars; one submission).

Allele frequency attached by ClinVar (database versions not stated): TOPMed 0.00004; ESP Exome Variant Server 0.00008.
gnomAD v4.1: 102 of 1,613,434 alleles (0.0063%); highest among the groups gnomAD compares: Non-Finnish European, 0.0079%; no homozygotes.

Submissions (3):

Labcorp Genetics (formerly Invitae), Labcorp
Classification: Uncertain significance. Last evaluated: 2022-08-20. Review status: criteria provided, single submitter. Criteria: Invitae Variant Classification Sherloc (09022015). Collection method: clinical testing. Allele origin: germline.
Comment: In summary, the available evidence is currently insufficient to determine the role of this variant in disease. Therefore, it has been classified as a Variant of Uncertain Significance. Variants that disrupt the consensus splice site are a relatively common cause of aberrant splicing (PMID: 17576681, 9536098). Algorithms developed to predict the effect of sequence changes on RNA splicing suggest that this variant may create or strengthen a splice site. This variant has not been reported in the literature in individuals affected with LETM1-related conditions. This variant is present in population databases (rs368791925, gnomAD 0.01%). This sequence change falls in intron 8 of the LETM1 gene. It does not directly change the encoded amino acid sequence of the LETM1 protein. It affects a nucleotide within the consensus splice site.

Dr. Peter K. Rogan Lab, Western University
No classification provided (evidence only). Condition: Cervical cancer. Review status: no classification provided. Collection method: in vitro. Allele origin: not applicable. Functional consequence: skipped exon, retained intron. Not counted in ClinVar's aggregate classification.

Dr. Peter K. Rogan Lab, Western University
No classification provided (evidence only). Condition: Sarcoma. Review status: no classification provided. Collection method: in vitro. Allele origin: not applicable. Functional consequence: retained intron. Not counted in ClinVar's aggregate classification.

Literature cited by the submitters: PubMed 17576681 (cited by Labcorp Genetics (formerly Invitae), Labcorp); PubMed 9536098 (cited by Labcorp Genetics (formerly Invitae), Labcorp).

NM_012318.3(LETM1):c.1332+5G>A

Gene: LETM1 (leucine zipper and EF-hand containing transmembrane protein 1; minus strand). Cytogenetic location: 4p16.3.
Variant type: single nucleotide variant.
Coding change: c.1332+5G>A on transcript NM_012318.3 (MANE Select); 5 bases into the intron after coding-DNA position 1332, G replaced by A.
Molecular consequence: intron variant.
Genome position (GRCh38, 1-based): chr4:1,823,639, C>T on the plus strand (G>A on the coding strand, the complement: LETM1 is on the minus strand). VCF-style: chr4-1823639-C-T. GRCh37 (hg19) VCF-style: chr4-1825366-C-T.
Identifiers: ClinVar variation 2150679 (VCV002150679.3), dbSNP rs368791925, ClinGen allele CA2811323.